The following is an entry in ClinVar:

ClinVar aggregate classification (germline): Uncertain significance (1 of 4 stars; one submission).

Conditions:
Immunodeficiency, common variable, 10. Also called: IMMUNODEFICIENCY, COMMON VARIABLE, WITH CENTRAL ADRENAL INSUFFICIENCY; DEFICIT IN ANTERIOR PITUITARY FUNCTION AND VARIABLE IMMUNODEFICIENCY. Identifiers: MedGen C3809991, MONDO:0014260, OMIM 615577.

Submission:

Labcorp Genetics (formerly Invitae), Labcorp
Classification: Uncertain significance for Immunodeficiency, common variable, 10. Last evaluated: 2019-08-13. Review status: criteria provided, single submitter. Criteria: Invitae Variant Classification Sherloc (09022015). Collection method: clinical testing. Allele origin: germline.
Comment: Algorithms developed to predict the effect of missense changes on protein structure and function are either unavailable or do not agree on the potential impact of this missense change (SIFT: "Deleterious"; PolyPhen-2: "Probably Damaging"; Align-GVGD: "Class C0"). This variant has been observed in an individual affected with common variable immune deficiency (PMID: 29921932). This variant is not present in population databases (ExAC no frequency). This sequence change replaces serine with asparagine at codon 866 of the NFKB2 protein (p.Ser866Asn). The serine residue is moderately conserved and there is a small physicochemical difference between serine and asparagine. This variant disrupts the p.Ser866 amino acid residue in NFKB2. Other variant(s) that disrupt this residue have been observed in affected individuals (PMID: 28472507, 28778864), which suggests that this may be a clinically significant amino acid residue. In summary, the available evidence is currently insufficient to determine the role of this variant in disease. Therefore, it has been classified as a Variant of Uncertain Significance.

Literature cited by the submitters: PubMed 29921932; PubMed 28472507; PubMed 28778864.

NM_001322934.2(NFKB2):c.2597G>A (p.Ser866Asn)

Gene: NFKB2 (nuclear factor kappa B subunit 2; plus strand). Cytogenetic location: 10q24.32.
Variant type: single nucleotide variant.
Coding change: c.2597G>A on transcript NM_001322934.2 (MANE Select); coding-DNA position 2597, G replaced by A.
Protein change: p.Ser866Asn; replaces serine 866 with asparagine.
Molecular consequence: missense variant.
Genome position (GRCh38, 1-based): chr10:102,402,270, G>A. VCF-style: chr10-102402270-G-A. GRCh37 (hg19) VCF-style: chr10-104162027-G-A.
Other names: c.2597G>A, p.Ser866Asn (LRG_1347t1, NM_001077494.3); c.2594G>A, p.Ser865Asn (NM_001261403.3, NM_001288724.1, NM_002502.6); c.2471G>A, p.Ser824Asn (NM_001322935.1); short protein forms S824N, S865N, S866N.
Identifiers: ClinVar variation 656331 (VCV000656331.10), dbSNP rs1565215008, ClinGen allele CA377906332.